The following is an entry in ClinVar:

NM_001378477.3(NYX):c.378C>G (p.Phe126Leu)

Gene: NYX (nyctalopin; plus strand). Cytogenetic location: Xp11.4.
Variant type: single nucleotide variant.
Coding change: c.378C>G on transcript NM_001378477.3 (MANE Select); coding-DNA position 378, C replaced by G.
Protein change: p.Phe126Leu; replaces phenylalanine 126 with leucine.
Molecular consequence: missense variant.
Genome position (GRCh38, 1-based): chrX:41,473,846, C>G. VCF-style: chrX-41473846-C-G. GRCh37 (hg19) VCF-style: chrX-41333099-C-G.
Other names: c.378C>G, p.Phe126Leu (NM_022567.3); short protein forms F126L.
Identifiers: ClinVar variation 1506464 (VCV001506464.8), dbSNP rs779910919, ClinGen allele CA412990063.

ClinVar aggregate classification (germline): Uncertain significance (1 of 4 stars; one submission).

Submission:

Labcorp Genetics (formerly Invitae), Labcorp
Classification: Uncertain significance. Last evaluated: 2023-11-27. Review status: criteria provided, single submitter. Criteria: Invitae Variant Classification Sherloc (09022015). Collection method: clinical testing. Allele origin: germline.
Comment: This sequence change replaces phenylalanine, which is neutral and non-polar, with leucine, which is neutral and non-polar, at codon 131 of the NYX protein (p.Phe131Leu). This variant is not present in population databases (gnomAD no frequency). This variant has not been reported in the literature in individuals affected with NYX-related conditions. ClinVar contains an entry for this variant (Variation ID: 1506464). Advanced modeling of protein sequence and biophysical properties (such as structural, functional, and spatial information, amino acid conservation, physicochemical variation, residue mobility, and thermodynamic stability) performed at Invitae indicates that this missense variant is not expected to disrupt NYX protein function with a negative predictive value of 80%. In summary, the available evidence is currently insufficient to determine the role of this variant in disease. Therefore, it has been classified as a Variant of Uncertain Significance.